The following is an entry in ClinVar:

ClinVar aggregate classification (germline): Uncertain significance. Review status: criteria provided, multiple submitters, no conflicts (2 of 4 stars). 2 submissions from 2 submitters: Uncertain significance (2). Last evaluated 2025-03-19.

Allele frequency attached by ClinVar (database versions not stated): ExAC 0.00001; gnomAD exomes 0.00003.
gnomAD v4.1: 120 of 1,612,116 alleles (0.0074%); highest among the groups gnomAD compares: Non-Finnish European, 0.0094%; no homozygotes.

Submissions (2):

Labcorp Genetics (formerly Invitae), Labcorp
Classification: Uncertain significance. Last evaluated: 2025-03-19. Review status: criteria provided, single submitter. Criteria: Invitae Variant Classification Sherloc (09022015). Collection method: clinical testing. Allele origin: germline.
Comment: This sequence change replaces aspartic acid, which is acidic and polar, with glutamic acid, which is acidic and polar, at codon 531 of the MKL1 protein (p.Asp531Glu). This variant is present in population databases (rs777499411, gnomAD 0.007%). This variant has not been reported in the literature in individuals affected with MKL1-related conditions. ClinVar contains an entry for this variant (Variation ID: 1683022). An algorithm developed to predict the effect of missense changes on protein structure and function (PolyPhen-2) suggests that this variant is likely to be disruptive. In summary, the available evidence is currently insufficient to determine the role of this variant in disease. Therefore, it has been classified as a Variant of Uncertain Significance.

Ambry Genetics
Classification: Uncertain significance. Last evaluated: 2025-02-08. Review status: criteria provided, single submitter. Criteria: Ambry Variant Classification Scheme 2023. Collection method: clinical testing. Allele origin: germline.

NM_020831.6(MRTFA):c.1893C>A (p.Asp631Glu)

Gene: MRTFA (myocardin related transcription factor A; minus strand). Cytogenetic location: 22q13.1.
Variant type: single nucleotide variant.
Coding change: c.1893C>A on transcript NM_020831.6 (MANE Select); coding-DNA position 1893, C replaced by A.
Protein change: p.Asp631Glu; replaces aspartic acid 631 with glutamic acid.
Molecular consequence: missense variant.
Genome position (GRCh38, 1-based): chr22:40,418,845, G>T on the plus strand (C>A on the coding strand, the complement: MRTFA is on the minus strand). VCF-style: chr22-40418845-G-T. GRCh37 (hg19) VCF-style: chr22-40814849-G-T.
Other names: c.1593C>A, p.Asp531Glu (NM_001282660.2); c.1743C>A, p.Asp581Glu (NM_001282661.3); c.1893C>A, p.Asp631Glu (NM_001282662.3); c.1698C>A, p.Asp566Glu (NM_001318139.2); c.1593C>A (NM_020831.3); short protein forms D531E, D566E, D581E, D631E.
Identifiers: ClinVar variation 1683022 (VCV001683022.7), dbSNP rs777499411, ClinGen allele CA10249510.